The following is an entry in ClinVar:

NM_152701.5(ABCA13):c.14617G>A (p.Gly4873Arg)

Gene: ABCA13 (ATP binding cassette subfamily A member 13; plus strand). Cytogenetic location: 7p12.3.
Variant type: single nucleotide variant.
Coding change: c.14617G>A on transcript NM_152701.5 (MANE Select); coding-DNA position 14617, G replaced by A.
Protein change: p.Gly4873Arg; replaces glycine 4873 with arginine.
Molecular consequence: missense variant.
Genome position (GRCh38, 1-based): chr7:48,587,265, G>A. VCF-style: chr7-48587265-G-A. GRCh37 (hg19) VCF-style: chr7-48626861-G-A.
Other names: short protein forms G4873R.
Identifiers: ClinVar variation 389088 (VCV000389088.2), dbSNP rs530287474, ClinGen allele CA4259713.

ClinVar aggregate classification (germline): Uncertain significance (1 of 4 stars; one submission).

Allele frequency attached by ClinVar (database versions not stated): gnomAD exomes below 0.00001; gnomAD 0.00001 and 0.00002; TOPMed 0.00002; ExAC 0.00003; 1000 Genomes Project 30x 0.00016; 1000 Genomes Project 0.00020.
gnomAD v4.1: 7 of 1,609,396 alleles (0.00043%); highest among the groups gnomAD compares: African/African-American, 0.0067%; no homozygotes.

Submission:

GeneDx
Classification: Uncertain significance. Last evaluated: 2016-09-19. Review status: criteria provided, single submitter. Criteria: GeneDx Variant Classification (06012015). Collection method: clinical testing. Allele origin: germline. Affected: yes.
Comment: The G4873R variant in the ABCA13 gene has not been reported previously as a pathogenic variant, nor as a benign variant, to our knowledge. The G4873R variant was not observed in approximately 6000 individuals of European and African American ancestry in the NHLBI Exome Sequencing Project, indicating it is not a common benign variant in these populations. The G4873R variant is a non-conservative amino acid substitution, which is likely to impact secondary protein structure as these residues differ in polarity, charge, size and/or other properties. This substitution occurs at a position that is conserved across species, and in silico analysis predicts this variant is probably damaging to the protein structure/function. As an alternate mechanism, multiple in silico algorithms predict that c.14617 G>A (aka G4873R) might create a cryptic donor site in intron 37 which may supplant the natural donor site. However, in the absence of RNA/functional studies, the actual effect of c.14617 G>A is unknown. Therefore, we interpret G4873R as a variant of uncertain significance.